The following is an entry in ClinVar:

ClinVar aggregate classification (germline): Uncertain significance (1 of 4 stars; one submission).

Allele frequency attached by ClinVar (database versions not stated): gnomAD exomes below 0.00001.
gnomAD v4.1: 7 of 1,614,030 alleles (0.00043%); highest among the groups gnomAD compares: Non-Finnish European, 0.00059%; no homozygotes.

Submission:

Labcorp Genetics (formerly Invitae), Labcorp
Classification: Uncertain significance. Last evaluated: 2023-07-20. Review status: criteria provided, single submitter. Criteria: Invitae Variant Classification Sherloc (09022015). Collection method: clinical testing. Allele origin: germline.
Comment: This variant has not been reported in the literature in individuals affected with TET2-related conditions. In summary, the available evidence is currently insufficient to determine the role of this variant in disease. Therefore, it has been classified as a Variant of Uncertain Significance. An algorithm developed to predict the effect of missense changes on protein structure and function (PolyPhen-2) suggests that this variant is likely to be tolerated. This variant is present in population databases (rs760672360, gnomAD 0.002%). This sequence change replaces alanine, which is neutral and non-polar, with serine, which is neutral and polar, at codon 727 of the TET2 protein (p.Ala727Ser).

NM_001127208.3(TET2):c.2179G>T (p.Ala727Ser)

Genes: TET2 (tet methylcytosine dioxygenase 2; plus strand), TET2-AS1 (TET2 antisense RNA 1; minus strand). Cytogenetic location: 4q24.
Variant type: single nucleotide variant.
Coding change: c.2179G>T on transcript NM_001127208.3 (MANE Select); coding-DNA position 2179, G replaced by T.
Protein change: p.Ala727Ser; replaces alanine 727 with serine.
Molecular consequence: missense variant.
Genome position (GRCh38, 1-based): chr4:105,236,121, G>T. VCF-style: chr4-105236121-G-T. GRCh37 (hg19) VCF-style: chr4-106157278-G-T.
Other names: c.2179G>T, p.Ala727Ser (NM_017628.4); short protein forms A727S.
Identifiers: ClinVar variation 2788272 (VCV002788272.3), dbSNP rs760672360, ClinGen allele CA102752242.